The following is an entry in ClinVar:

ClinVar aggregate classification (germline): Uncertain significance (1 of 4 stars; one submission).

Conditions:
Congenital myasthenic syndrome 8. Also called: MYASTHENIC SYNDROME, CONGENITAL, DUE TO AGRIN DEFICIENCY; Myasthenic syndrome, congenital, 8, with pre- and postsynaptic defects. Identifiers: Orphanet 590, MedGen C3808739, MONDO:0014052, OMIM 615120.

Allele frequency attached by ClinVar (database versions not stated): TOPMed below 0.00001; gnomAD exomes 0.00002; ExAC 0.00004.
gnomAD v4.1: 9 of 1,577,322 alleles (0.00057%); highest among the groups gnomAD compares: East Asian, 0.014%; no homozygotes.

Submission:

Labcorp Genetics (formerly Invitae), Labcorp
Classification: Uncertain significance for Congenital myasthenic syndrome 8. Last evaluated: 2022-07-19. Review status: criteria provided, single submitter. Criteria: Invitae Variant Classification Sherloc (09022015). Collection method: clinical testing. Allele origin: germline.
Comment: Algorithms developed to predict the effect of missense changes on protein structure and function (SIFT, PolyPhen-2, Align-GVGD) all suggest that this variant is likely to be tolerated. In summary, the available evidence is currently insufficient to determine the role of this variant in disease. Therefore, it has been classified as a Variant of Uncertain Significance. ClinVar contains an entry for this variant (Variation ID: 1487884). This variant has not been reported in the literature in individuals affected with AGRN-related conditions. The frequency data for this variant in the population databases is considered unreliable, as metrics indicate poor data quality at this position in the gnomAD database. This sequence change replaces proline, which is neutral and non-polar, with serine, which is neutral and polar, at codon 1405 of the AGRN protein (p.Pro1405Ser).

NM_198576.4(AGRN):c.4213C>T (p.Pro1405Ser)

Gene: AGRN (agrin; plus strand). Cytogenetic location: 1p36.33.
Variant type: single nucleotide variant.
Coding change: c.4213C>T on transcript NM_198576.4 (MANE Select); coding-DNA position 4213, C replaced by T.
Protein change: p.Pro1405Ser; replaces proline 1405 with serine.
Molecular consequence: missense variant.
Genome position (GRCh38, 1-based): chr1:1,048,974, C>T. VCF-style: chr1-1048974-C-T. GRCh37 (hg19) VCF-style: chr1-984354-C-T.
Other names: c.4213C>T, p.Pro1405Ser (NM_001305275.2); c.3898C>T, p.Pro1300Ser (NM_001364727.2); short protein forms P1405S, P1300S.
Identifiers: ClinVar variation 1487884 (VCV001487884.7), dbSNP rs777176463, ClinGen allele CA509356.
Genomic context (GRCh38, chr1:1,048,974, plus strand): 5'-TTCCCCACTCTCCGCGCCTACCACACGCTGCGCCTGGCACTGGAATTCCGGGCGCTGGAG[C>T]CTCAGGGGCTGCTGCTGTACAATGGCAACGCCCGGGGCAAGGACTTCCTGGCATTGGCGC-3'
Protein context (NP_940978.2, residues 1395-1415): RLALEFRALE[Pro1405Ser]QGLLLYNGNA